The following is an entry in ClinVar:

ClinVar aggregate classification (germline): Likely pathogenic (1 of 4 stars; one submission).

Conditions:
Breast-ovarian cancer, familial, susceptibility to, 1 (BROVCA1). Also called: BRCA1 Hereditary Breast and Ovarian Cancer; OVARIAN CANCER, SUSCEPTIBILITY TO. Identifiers: Orphanet 145, MedGen C2676676, MONDO:0011450, OMIM 604370. Disease mechanism: loss of function.

Submission:

Neuberg Centre For Genomic Medicine, NCGM
Classification: Likely pathogenic for Breast-ovarian cancer, familial, susceptibility to, 1. Review status: criteria provided, single submitter. Criteria: ACMG Guidelines, 2015. Collection method: clinical testing. Allele origin: germline. Inheritance: Autosomal dominant inheritance. Affected: yes.
Comment: The c.5390_5391dup (p.Thr1798ProfsTer17) frameshift variant in BRCA1 gene has not been reported previously as a pathogenic variant nor as a benign variant, to our knowledge. The p.Thr1798ProfsTer17 variant is novel (not in any individuals) in gnomAD Exomes and is novel (not in any individuals) in 1000 Genomes. This variant causes a frameshift starting with codon Threonine 1798, changes this amino acid to Proline residue, and creates a premature Stop codon at position 17 of the new reading frame, denoted p.Thr1798ProfsTer17. This variant is predicted to cause loss of normal protein function through protein truncation. Loss of function variants have been previously reported to be disease causing. For these reasons, this variant has been classified as Likely Pathogenic.

NM_007294.4(BRCA1):c.5327_5328dup (p.Thr1777fs)

Gene: BRCA1 (BRCA1 DNA repair associated; minus strand). Cytogenetic location: 17q21.31.
Variant type: Duplication.
Coding change: c.5327_5328dup on transcript NM_007294.4 (MANE Select); coding-DNA positions 5327 to 5328, 2 bases duplicated (CC; older notation c.5327_5328dupCC).
Protein change: p.Thr1777fs; shifts the reading frame from threonine 1777.
Molecular consequence: frameshift variant. On other transcripts: intron variant (2).
Genome position (GRCh38, 1-based): chr17:43,051,067-43,051,068, GG duplicated on the plus strand (CC on the coding strand, the reverse complement: BRCA1 is on the minus strand); duplicating any 2 consecutive bases within chr17:43,051,067-43,051,069 gives the same sequence; the c. name uses the placement nearest the transcript's 3' end. VCF-style (leftmost placement, unchanged base first): chr17-43051066-T-TGG. GRCh37 (hg19) VCF-style: chr17-41203083-T-TGG.
Other names: c.5327_5328dup, p.Thr1777fs (NM_001407602.1, NM_001407603.1, NM_001407605.1 and 6 more transcripts); c.5324_5325dup, p.Thr1776fs (NM_001407610.1, NM_001407611.1, NM_001407612.1 and 17 more transcripts); c.5321_5322dup, p.Thr1775fs (NM_001407627.1, NM_001407628.1, NM_001407629.1 and 14 more transcripts); c.5318_5319dup, p.Thr1774fs (NM_001407644.1, NM_001407645.1); c.5315_5316dup, p.Thr1773fs (NM_001407646.1); c.5312_5313dup, p.Thr1772fs (NM_001407647.1); c.5270_5271dup, p.Thr1758fs (NM_001407648.1); c.5267_5268dup, p.Thr1757fs (NM_001407649.1); and 75 more; short protein forms T1481fs, T1650fs, T1707fs, T1728fs, T1735fs, T1751fs, T1758fs, T1776fs.
Identifiers: ClinVar variation 2585450 (VCV002585450.1), dbSNP rs80357751, ClinGen allele CA2582342184.